The following is an entry in ClinVar:

ClinVar aggregate classification (germline): Uncertain significance (1 of 4 stars; one submission).

Conditions:
Hereditary nonpolyposis colorectal neoplasms. Identifiers: MedGen C0009405, MeSH D003123.

Allele frequency attached by ClinVar (database versions not stated): TOPMed below 0.00001; gnomAD 0.00001.
gnomAD v4.1: 1 of 1,603,404 alleles (0.000062%); highest among the groups gnomAD compares: Non-Finnish European, 0.000085%; no homozygotes.

Submission:

Labcorp Genetics (formerly Invitae), Labcorp
Classification: Uncertain significance for Hereditary nonpolyposis colorectal neoplasms. Last evaluated: 2024-07-30. Review status: criteria provided, single submitter. Criteria: Invitae Variant Classification Sherloc (09022015). Collection method: clinical testing. Allele origin: germline.
Comment: This sequence change replaces glutamic acid, which is acidic and polar, with glycine, which is neutral and non-polar, at codon 67 of the PMS2 protein (p.Glu67Gly). This variant is not present in population databases (gnomAD no frequency). This variant has not been reported in the literature in individuals affected with PMS2-related conditions. ClinVar contains an entry for this variant (Variation ID: 844571). Advanced modeling of protein sequence and biophysical properties (such as structural, functional, and spatial information, amino acid conservation, physicochemical variation, residue mobility, and thermodynamic stability) performed at Invitae indicates that this missense variant is expected to disrupt PMS2 protein function with a positive predictive value of 80%. In summary, the available evidence is currently insufficient to determine the role of this variant in disease. Therefore, it has been classified as a Variant of Uncertain Significance.

NM_000535.7(PMS2):c.200A>G (p.Glu67Gly)

Gene: PMS2 (PMS1 homolog 2, mismatch repair system component; minus strand). Cytogenetic location: 7p22.1.
Variant type: single nucleotide variant.
Coding change: c.200A>G on transcript NM_000535.7 (MANE Select); coding-DNA position 200, A replaced by G.
Protein change: p.Glu67Gly; replaces glutamic acid 67 with glycine.
Molecular consequence: missense variant. On other transcripts: 5 prime UTR variant (11), non-coding transcript variant (1).
Genome position (GRCh38, 1-based): chr7:6,004,022, T>C on the plus strand (A>G on the coding strand, the complement: PMS2 is on the minus strand). VCF-style: chr7-6004022-T-C. GRCh37 (hg19) VCF-style: chr7-6043653-T-C.
Other names: c.-206A>G (NM_001322003.2, NM_001322004.2, NM_001322005.2 and 3 more transcripts); c.200A>G, p.Glu67Gly (NM_001322006.2, NM_001322014.2); c.-16A>G (NM_001322007.2, NM_001322008.2); c.-685A>G (NM_001322011.2, NM_001322012.2); c.-285A>G (NM_001322015.2); short protein forms E67G.
Identifiers: ClinVar variation 844571 (VCV000844571.7), dbSNP rs1785422471, ClinGen allele CA366744865.